The following is an entry in ClinVar:

ClinVar aggregate classification (germline): Uncertain significance (1 of 4 stars; one submission).

gnomAD v4.1: 2 of 1,531,608 alleles (0.00013%); highest among the groups gnomAD compares: Non-Finnish European, 0.00017%; no homozygotes.

Submission:

Labcorp Genetics (formerly Invitae), Labcorp
Classification: Uncertain significance. Last evaluated: 2024-03-15. Review status: criteria provided, single submitter. Criteria: Invitae Variant Classification Sherloc (09022015). Collection method: clinical testing. Allele origin: germline.
Comment: This sequence change replaces alanine, which is neutral and non-polar, with threonine, which is neutral and polar, at codon 250 of the NEFH protein (p.Ala250Thr). This variant is not present in population databases (gnomAD no frequency). This variant has not been reported in the literature in individuals affected with NEFH-related conditions. Advanced modeling of protein sequence and biophysical properties (such as structural, functional, and spatial information, amino acid conservation, physicochemical variation, residue mobility, and thermodynamic stability) performed at Invitae indicates that this missense variant is not expected to disrupt NEFH protein function with a negative predictive value of 95%. In summary, the available evidence is currently insufficient to determine the role of this variant in disease. Therefore, it has been classified as a Variant of Uncertain Significance.

NM_021076.4(NEFH):c.748G>A (p.Ala250Thr)

Gene: NEFH (neurofilament heavy chain; plus strand). Cytogenetic location: 22q12.2.
Variant type: single nucleotide variant.
Coding change: c.748G>A on transcript NM_021076.4 (MANE Select); coding-DNA position 748, G replaced by A.
Protein change: p.Ala250Thr; replaces alanine 250 with threonine.
Molecular consequence: missense variant.
Genome position (GRCh38, 1-based): chr22:29,481,010, G>A. VCF-style: chr22-29481010-G-A. GRCh37 (hg19) VCF-style: chr22-29876999-G-A.
Other names: short protein forms A250T.
Identifiers: ClinVar variation 3701112 (VCV003701112.2).
Genomic context (GRCh38, chr22:29,481,010, plus strand): 5'-CTGCGGCGCCACCACCAGGAAGAGGTGGGCGAGCTGCTCGGCCAGATCCAGGGCTCCGGC[G>A]CCGCGCAGGCGCAGATGCAGGCCGAGACGCGCGACGCCCTGAAGTGCGACGTGACGTCGG-3'
Protein context (NP_066554.2, residues 240-260): ELLGQIQGSG[Ala250Thr]AQAQMQAETR